The following is an entry in ClinVar:

ClinVar aggregate classification (germline): Uncertain significance (1 of 4 stars; one submission).

gnomAD v4.1: 2 of 1,613,282 alleles (0.00012%); highest among the groups gnomAD compares: Non-Finnish European, 0.00017%; no homozygotes.

Submission:

Labcorp Genetics (formerly Invitae), Labcorp
Classification: Uncertain significance. Last evaluated: 2025-08-29. Review status: criteria provided, single submitter. Criteria: Invitae Variant Classification Sherloc (09022015). Collection method: clinical testing. Allele origin: germline.
Comment: This sequence change replaces arginine, which is basic and polar, with glycine, which is neutral and non-polar, at codon 1023 of the ABCC6 protein (p.Arg1023Gly). This variant is not present in population databases (gnomAD no frequency). This variant has not been reported in the literature in individuals affected with ABCC6-related conditions. Invitae Evidence Modeling of protein sequence and biophysical properties (such as structural, functional, and spatial information, amino acid conservation, physicochemical variation, residue mobility, and thermodynamic stability) indicates that this missense variant is not expected to disrupt ABCC6 protein function with a negative predictive value of 95%. In summary, the available evidence is currently insufficient to determine the role of this variant in disease. Therefore, it has been classified as a Variant of Uncertain Significance.

NM_001171.6(ABCC6):c.3067A>G (p.Arg1023Gly)

Gene: ABCC6 (ATP binding cassette subfamily C member 6; minus strand). Cytogenetic location: 16p13.11.
Variant type: single nucleotide variant.
Coding change: c.3067A>G on transcript NM_001171.6 (MANE Select); coding-DNA position 3067, A replaced by G.
Protein change: p.Arg1023Gly; replaces arginine 1023 with glycine.
Molecular consequence: missense variant. On other transcripts: non-coding transcript variant (4).
Genome position (GRCh38, 1-based): chr16:16,165,862, T>C on the plus strand (A>G on the coding strand, the complement: ABCC6 is on the minus strand). VCF-style: chr16-16165862-T-C. GRCh37 (hg19) VCF-style: chr16-16259719-T-C.
Other names: c.2725A>G, p.Arg909Gly (NM_001351800.1); c.3034A>G, p.Arg1012Gly (NM_001440309.1); c.2899A>G, p.Arg967Gly (NM_001440310.1); short protein forms R1023G, R967G, R1012G, R909G.
Identifiers: ClinVar variation 4745981 (VCV004745981.1).